The following is an entry in ClinVar:

NM_001358530.2(MOCS1):c.730C>T (p.Arg244Cys)

Gene: MOCS1 (molybdenum cofactor synthesis 1; minus strand). Cytogenetic location: 6p21.2.
Variant type: single nucleotide variant.
Coding change: c.730C>T on transcript NM_001358530.2 (MANE Select); coding-DNA position 730, C replaced by T.
Protein change: p.Arg244Cys; replaces arginine 244 with cysteine.
Molecular consequence: missense variant. On other transcripts: non-coding transcript variant (1).
Genome position (GRCh38, 1-based): chr6:39,913,344, G>A on the plus strand (C>T on the coding strand, the complement: MOCS1 is on the minus strand). VCF-style: chr6-39913344-G-A. GRCh37 (hg19) VCF-style: chr6-39881088-G-A.
Other names: c.730C>T, p.Arg244Cys (NM_001075098.4, NM_001358529.2, NM_005943.6); c.469C>T, p.Arg157Cys (NM_001358531.2, NM_001358533.2, NM_001358534.2); c.730C>T (NM_005943.5); short protein forms R157C, R244C.
Identifiers: ClinVar variation 1417484 (VCV001417484.7), dbSNP rs951951184, ClinGen allele CA137651663.

ClinVar aggregate classification (germline): Uncertain significance. Review status: criteria provided, multiple submitters, no conflicts (2 of 4 stars). 2 submissions from 2 submitters: Uncertain significance (2). Last evaluated 2024-10-29.

Conditions:
Sulfite oxidase deficiency due to molybdenum cofactor deficiency type A. Also called: Molybdenum cofactor deficiency, complementation group A; Molybdenum Cofactor Deficiency A. Identifiers: Orphanet 308386, Orphanet 833, MedGen C1854988, MONDO:0009643, OMIM 252150.

Allele frequency attached by ClinVar (database versions not stated): gnomAD exomes 0.00001; TOPMed 0.00001.
gnomAD v4.1: 17 of 1,614,130 alleles (0.0011%); highest among the groups gnomAD compares: African/African-American, 0.0027%; no homozygotes.

Submissions (2):

Labcorp Genetics (formerly Invitae), Labcorp
Classification: Uncertain significance for Sulfite oxidase deficiency due to molybdenum cofactor deficiency type A. Last evaluated: 2024-10-29. Review status: criteria provided, single submitter. Criteria: Invitae Variant Classification Sherloc (09022015). Collection method: clinical testing. Allele origin: germline.
Comment: This sequence change replaces arginine, which is basic and polar, with cysteine, which is neutral and slightly polar, at codon 244 of the MOCS1 protein (p.Arg244Cys). This variant is present in population databases (no rsID available, gnomAD 0.006%). This variant has not been reported in the literature in individuals affected with MOCS1-related conditions. ClinVar contains an entry for this variant (Variation ID: 1417484). An algorithm developed to predict the effect of missense changes on protein structure and function (PolyPhen-2) suggests that this variant is likely to be disruptive. In summary, the available evidence is currently insufficient to determine the role of this variant in disease. Therefore, it has been classified as a Variant of Uncertain Significance.

Fulgent Genetics
Classification: Uncertain significance for Sulfite oxidase deficiency due to molybdenum cofactor deficiency type A. Last evaluated: 2024-01-02. Review status: criteria provided, single submitter. Criteria: ACMG Guidelines, 2015. Collection method: clinical testing. Allele origin: germline.